The following is an entry in ClinVar:

ClinVar aggregate classification (germline): Uncertain significance (1 of 4 stars; one submission).

Conditions:
Cardiovascular phenotype. Identifiers: MedGen CN230736.

Submission:

Ambry Genetics
Classification: Uncertain significance for Cardiovascular phenotype. Last evaluated: 2025-04-11. Review status: criteria provided, single submitter. Criteria: Ambry Variant Classification Scheme 2023. Collection method: clinical testing. Allele origin: germline.
Comment: The p.A881V variant (also known as c.2642C>T), located in coding exon 16 of the CBL gene, results from a C to T substitution at nucleotide position 2642. The alanine at codon 881 is replaced by valine, an amino acid with similar properties. This amino acid position is conserved. In addition, this alteration is predicted to be deleterious by in silico analysis. Based on the available evidence, the clinical significance of this variant remains unclear.

NM_005188.4(CBL):c.2642C>T (p.Ala881Val)

Gene: CBL (Cbl proto-oncogene; plus strand). Cytogenetic location: 11q23.3.
Variant type: single nucleotide variant.
Coding change: c.2642C>T on transcript NM_005188.4 (MANE Select); coding-DNA position 2642, C replaced by T.
Protein change: p.Ala881Val; replaces alanine 881 with valine.
Molecular consequence: missense variant.
Genome position (GRCh38, 1-based): chr11:119,299,702, C>T. VCF-style: chr11-119299702-C-T. GRCh37 (hg19) VCF-style: chr11-119170412-C-T.
Other names: short protein forms A881V.
Identifiers: ClinVar variation 3996011 (VCV003996011.1).
Genomic context (GRCh38, chr11:119,299,702, plus strand): 5'-TCGAGAACCTCATGAGTCAGGGGTACTCCTACCAGGACATCCAGAAAGCTTTGGTCATTG[C>T]CCAGAACAACATCGAGATGGCCAAAAACATCCTCCGGGAATTTGTTTCCATTTCTTCTCC-3'
Protein context (NP_005179.2, residues 871-891): YQDIQKALVI[Ala881Val]QNNIEMAKNI